The following is an entry in ClinVar:

NM_004281.4(BAG3):c.1369T>C (p.Tyr457His)

Gene: BAG3 (BAG cochaperone 3; plus strand). Cytogenetic location: 10q26.11.
Variant type: single nucleotide variant.
Coding change: c.1369T>C on transcript NM_004281.4 (MANE Select); coding-DNA position 1369, T replaced by C.
Protein change: p.Tyr457His; replaces tyrosine 457 with histidine.
Molecular consequence: missense variant.
Genome position (GRCh38, 1-based): chr10:119,676,923, T>C. VCF-style: chr10-119676923-T-C. GRCh37 (hg19) VCF-style: chr10-121436435-T-C.
Other names: short protein forms Y457H.
Identifiers: ClinVar variation 954640 (VCV000954640.9), dbSNP rs1470778691, ClinGen allele CA378297178.

ClinVar aggregate classification (germline): Uncertain significance (1 of 4 stars; one submission).

Conditions:
Dilated cardiomyopathy 1HH (CMD1HH). Identifiers: Orphanet 154, MedGen C3151293, MONDO:0013479, OMIM 613881.
Myofibrillar myopathy 6. Identifiers: Orphanet 199340, MedGen C2751831, MONDO:0013061, OMIM 612954.

Allele frequency attached by ClinVar (database versions not stated): gnomAD exomes below 0.00001.
gnomAD v4.1: 1 of 1,613,658 alleles (0.000062%); highest among the groups gnomAD compares: Non-Finnish European, 0.000085%; no homozygotes.

Submission:

Labcorp Genetics (formerly Invitae), Labcorp
Classification: Uncertain significance for Dilated cardiomyopathy 1HH; Myofibrillar myopathy 6. Last evaluated: 2024-07-03. Review status: criteria provided, single submitter. Criteria: Invitae Variant Classification Sherloc (09022015). Collection method: clinical testing. Allele origin: germline.
Comment: This sequence change replaces tyrosine, which is neutral and polar, with histidine, which is basic and polar, at codon 457 of the BAG3 protein (p.Tyr457His). This variant is present in population databases (no rsID available, gnomAD 0.0009%). This variant has not been reported in the literature in individuals affected with BAG3-related conditions. ClinVar contains an entry for this variant (Variation ID: 954640). Advanced modeling of protein sequence and biophysical properties (such as structural, functional, and spatial information, amino acid conservation, physicochemical variation, residue mobility, and thermodynamic stability) performed at Invitae indicates that this missense variant is not expected to disrupt BAG3 protein function with a negative predictive value of 80%. In summary, the available evidence is currently insufficient to determine the role of this variant in disease. Therefore, it has been classified as a Variant of Uncertain Significance.